The following is an entry in ClinVar:

NM_000179.3(MSH6):c.3234A>C (p.Val1078=)

Gene: MSH6 (mutS homolog 6; plus strand). Cytogenetic location: 2p16.3.
Variant type: single nucleotide variant.
Coding change: c.3234A>C on transcript NM_000179.3 (MANE Select); coding-DNA position 3234, A replaced by C.
Protein change: p.Val1078=; no amino-acid change (valine 1078 retained).
Molecular consequence: synonymous variant. On other transcripts: non-coding transcript variant (5), intron variant (1).
Genome position (GRCh38, 1-based): chr2:47,803,481, A>C. VCF-style: chr2-47803481-A-C. GRCh37 (hg19) VCF-style: chr2-48030620-A-C.
Other names: c.2844A>C, p.Val948= (NM_001281492.2); c.2328A>C, p.Val776= (NM_001281493.2, NM_001281494.2, NM_001406811.1 and 6 more transcripts); c.3330A>C, p.Val1110= (NM_001406795.1, NM_001406802.1); c.3234A>C, p.Val1078= (NM_001406796.1, NM_001406800.1, NM_001406808.1 and 1 more transcripts); c.2937A>C, p.Val979= (NM_001406797.1, NM_001406801.1, NM_001406805.1 and 10 more transcripts); c.2709A>C, p.Val903= (NM_001406799.1, NM_001406806.1, NM_001406807.1); c.2370A>C, p.Val790= (NM_001406803.1); c.3156A>C, p.Val1052= (NM_001406804.1); and 7 more.
Identifiers: ClinVar variation 3903497 (VCV003903497.1).

ClinVar aggregate classification (germline): Benign (1 of 4 stars; one submission).

Conditions:
Lynch syndrome 5 (LYNCH5). Also called: Colorectal cancer, hereditary nonpolyposis, type 5; Hereditary non-polyposis colorectal cancer, type 5. Identifiers: Orphanet 144, MedGen C1833477, MONDO:0013710, OMIM 614350. Disease mechanism: loss of function.

Submission:

Myriad Genetics, Inc.
Classification: Benign for Lynch syndrome 5. Last evaluated: 2025-01-03. Review status: criteria provided, single submitter. Criteria: Myriad Autosomal Dominant, Autosomal Recessive and X-Linked Classification Criteria (2023). Collection method: clinical testing. Allele origin: unknown.
Comment: This variant is considered benign. This variant is a silent/synonymous amino acid change and it is not expected to impact splicing.